The following is an entry in ClinVar:

ClinVar aggregate classification (germline): Uncertain significance (1 of 4 stars; one submission).

Submission:

Labcorp Genetics (formerly Invitae), Labcorp
Classification: Uncertain significance. Last evaluated: 2021-08-03. Review status: criteria provided, single submitter. Criteria: Invitae Variant Classification Sherloc (09022015). Collection method: clinical testing. Allele origin: germline.
Comment: In summary, the available evidence is currently insufficient to determine the role of this variant in disease. Therefore, it has been classified as a Variant of Uncertain Significance. Advanced modeling of protein sequence and biophysical properties (such as structural, functional, and spatial information, amino acid conservation, physicochemical variation, residue mobility, and thermodynamic stability) performed at Invitae indicates that this missense variant is not expected to disrupt DUOX2 protein function. This variant has not been reported in the literature in individuals affected with DUOX2-related conditions. This variant is not present in population databases (ExAC no frequency). This sequence change replaces arginine with serine at codon 861 of the DUOX2 protein (p.Arg861Ser). The arginine residue is moderately conserved and there is a moderate physicochemical difference between arginine and serine.

NM_001363711.2(DUOX2):c.2581C>A (p.Arg861Ser)

Gene: DUOX2 (dual oxidase 2; minus strand). Cytogenetic location: 15q21.1.
Variant type: single nucleotide variant.
Coding change: c.2581C>A on transcript NM_001363711.2 (MANE Select); coding-DNA position 2581, C replaced by A.
Protein change: p.Arg861Ser; replaces arginine 861 with serine.
Molecular consequence: missense variant.
Genome position (GRCh38, 1-based): chr15:45,104,033, G>T on the plus strand (C>A on the coding strand, the complement: DUOX2 is on the minus strand). VCF-style: chr15-45104033-G-T. GRCh37 (hg19) VCF-style: chr15-45396231-G-T.
Other names: c.2581C>A, p.Arg861Ser (NM_014080.5); short protein forms R861S.
Identifiers: ClinVar variation 1509988 (VCV001509988.6), dbSNP rs201955961, ClinGen allele CA392269060.